The following is an entry in ClinVar:

NM_033004.4(NLRP1):c.2871G>C (p.Gly957=)

Gene: NLRP1 (NLR family pyrin domain containing 1; minus strand). Cytogenetic location: 17p13.2.
Variant type: single nucleotide variant.
Coding change: c.2871G>C on transcript NM_033004.4 (MANE Select); coding-DNA position 2871, G replaced by C.
Protein change: p.Gly957=; no amino-acid change (glycine 957 retained).
Molecular consequence: synonymous variant. On other transcripts: intron variant (2).
Genome position (GRCh38, 1-based): chr17:5,536,940, C>G on the plus strand (G>C on the coding strand, the complement: NLRP1 is on the minus strand). VCF-style: chr17-5536940-C-G. GRCh37 (hg19) VCF-style: chr17-5440260-C-G.
Other names: c.2871G>C, p.Gly957= (NM_001033053.3, NM_014922.5); c.2870+2475G>C (NM_033007.4, NM_033006.4).
Identifiers: ClinVar variation 1950698 (VCV001950698.5), dbSNP rs774317269, ClinGen allele CA8327014.

ClinVar aggregate classification (germline): Uncertain significance (1 of 4 stars; one submission).

Allele frequency attached by ClinVar (database versions not stated): gnomAD exomes below 0.00001; ExAC 0.00002.
gnomAD v4.1: 5 of 1,611,260 alleles (0.00031%); highest among the groups gnomAD compares: Non-Finnish European, 0.00017%; no homozygotes.

Submission:

Labcorp Genetics (formerly Invitae), Labcorp
Classification: Uncertain significance. Last evaluated: 2026-01-22. Review status: criteria provided, single submitter. Criteria: Invitae Variant Classification Sherloc (09022015). Collection method: clinical testing. Allele origin: germline.
Comment: This sequence change affects codon 957 of the NLRP1 mRNA. It is a 'silent' change, meaning that it does not change the encoded amino acid sequence of the NLRP1 protein. It affects a nucleotide within the consensus splice site. This variant is present in population databases (rs774317269, gnomAD 0.003%). This variant has not been reported in the literature in individuals affected with NLRP1-related conditions. ClinVar contains an entry for this variant (Variation ID: 1950698). Algorithms developed to predict the effect of sequence changes on RNA splicing suggest that this variant is not likely to affect RNA splicing. In summary, the available evidence is currently insufficient to determine the role of this variant in disease. Therefore, it has been classified as a Variant of Uncertain Significance.